The following is an entry in ClinVar:

ClinVar aggregate classification (germline): Uncertain significance. Review status: criteria provided, multiple submitters, no conflicts (2 of 4 stars). 3 submissions from 3 submitters: Uncertain significance (2). 1 of the submissions does not count toward it. Last evaluated 2022-10-03.

Conditions:
Decreased circulating carnitine concentration. Also called: Decreased plasma carnitine. Identifiers: MedGen C5848230, HP:0003234.
Renal carnitine transport defect (CDSP). Also called: Systemic primary carnitine deficiency; Carnitine transporter deficiency; Carnitine Deficiency, Systemic; Primary carnitine deficiency; CARNITINE DEFICIENCY, SYSTEMIC, DUE TO DEFECT IN RENAL REABSORPTION OF CARNITINE; CARNITINE TRANSPORTER, PLASMA-MEMBRANE, DEFICIENCY OF. Identifiers: Orphanet 158, MedGen C0342788, MONDO:0008919, OMIM 212140.

Allele frequency attached by ClinVar (database versions not stated): gnomAD exomes below 0.00001 and 0.00001; TOPMed 0.00001; gnomAD 0.00002.
gnomAD v4.1: 23 of 1,612,230 alleles (0.0014%); highest among the groups gnomAD compares: African/African-American, 0.004%; no homozygotes.

Submissions (3):

Giacomini Lab, University of California, San Francisco
Classification: Uncertain significance for Renal carnitine transport defect. Last evaluated: 2022-10-03. Review status: criteria provided, single submitter. Criteria: ACMG Guidelines, 2015. Collection method: research, in vitro. Allele origin: germline, not applicable.

Labcorp Genetics (formerly Invitae), Labcorp
Classification: Uncertain significance for Renal carnitine transport defect. Last evaluated: 2022-03-16. Review status: criteria provided, single submitter. Criteria: Invitae Variant Classification Sherloc (09022015). Collection method: clinical testing. Allele origin: germline.
Comment: This sequence change replaces valine, which is neutral and non-polar, with glycine, which is neutral and non-polar, at codon 123 of the SLC22A5 protein (p.Val123Gly). This variant is not present in population databases (gnomAD no frequency). This missense change has been observed in individual(s) with abnormal newborn screening for carnitine deficiency (PMID: 20574985). In at least one individual the data is consistent with being in trans (on the opposite chromosome) from a pathogenic variant. ClinVar contains an entry for this variant (Variation ID: 968989). Algorithms developed to predict the effect of missense changes on protein structure and function are either unavailable or do not agree on the potential impact of this missense change (SIFT: "Deleterious"; PolyPhen-2: "Benign"; Align-GVGD: "Class C0"). Experimental studies have shown that this missense change affects SLC22A5 function (PMID: 28841266). In summary, the available evidence is currently insufficient to determine the role of this variant in disease. Therefore, it has been classified as a Variant of Uncertain Significance.

Natera, Inc.
Classification: Uncertain significance for Carnitine deficiency. Last evaluated: 2020-05-15. Review status: no assertion criteria provided. Collection method: clinical testing. Allele origin: germline. Not counted in ClinVar's aggregate classification.

Literature cited by the submitters: PubMed 20574985 (cited by Labcorp Genetics (formerly Invitae), Labcorp); PubMed 28841266 (cited by Labcorp Genetics (formerly Invitae), Labcorp).

NM_003060.4(SLC22A5):c.368T>G (p.Val123Gly)

Gene: SLC22A5 (solute carrier family 22 member 5; plus strand). Cytogenetic location: 5q31.1.
Variant type: single nucleotide variant.
Coding change: c.368T>G on transcript NM_003060.4 (MANE Select); coding-DNA position 368, T replaced by G.
Protein change: p.Val123Gly; replaces valine 123 with glycine.
Molecular consequence: missense variant.
Genome position (GRCh38, 1-based): chr5:132,370,340, T>G. VCF-style: chr5-132370340-T-G. GRCh37 (hg19) VCF-style: chr5-131706032-T-G.
Other names: p.Val123Gly; c.368T>G, p.Val123Gly (NM_001308122.2); short protein forms V123G.
Identifiers: ClinVar variation 968989 (VCV000968989.12), dbSNP rs748605096, ClinGen allele CA127196756.
Genomic context (GRCh38, chr5:132,370,340, plus strand): 5'-TGGACCTGGGGCAGCTGGAGCAGGAGAGCTGTCTGGATGGCTGGGAGTTCAGTCAGGACG[T>G]CTACCTGTCCACCATTGTGACCGAGGTGGGTGCCGGCCCCTGCTGGGGCTGAGACCAGGG-3'
Protein context (NP_003051.1, residues 113-133): CLDGWEFSQD[Val123Gly]YLSTIVTEWN